The following is an entry in ClinVar:

NM_002474.3(MYH11):c.1034-6C>A

Gene: MYH11 (myosin heavy chain 11; minus strand). Cytogenetic location: 16p13.11.
Variant type: single nucleotide variant.
Coding change: c.1034-6C>A on transcript NM_002474.3 (MANE Select); 6 bases into the intron before coding-DNA position 1034, C replaced by A.
Molecular consequence: intron variant.
Genome position (GRCh38, 1-based): chr16:15,763,897, G>T on the plus strand (C>A on the coding strand, the complement: MYH11 is on the minus strand). VCF-style: chr16-15763897-G-T. GRCh37 (hg19) VCF-style: chr16-15857754-G-T.
Other names: c.1034-6C>A (NM_022844.3); c.1055-6C>A (NM_001040114.2, NM_001040113.2).
Identifiers: ClinVar variation 3071206 (VCV003071206.3), dbSNP rs553704245, ClinGen allele CA278591900.

ClinVar aggregate classification (germline): Conflicting classifications of pathogenicity. Review status: criteria provided, conflicting classifications (1 of 4 stars). 2 submissions from 2 submitters: Uncertain significance (1); Likely benign (1). Last evaluated 2024-06-24.

Conditions:
Aortic aneurysm, familial thoracic 4 (AAT4). Also called: AORTIC ANEURYSM/AORTIC DISSECTION AND PATENT DUCTUS ARTERIOSUS. Identifiers: MedGen C1851504, MONDO:0007568, OMIM 132900.
Familial thoracic aortic aneurysm and aortic dissection (TAAD). Also called: Thoracic aortic aneurysms and dissections. Identifiers: Orphanet 91387, MedGen C4707243, MONDO:0019625.

Allele frequency attached by ClinVar (database versions not stated): gnomAD 0.00001.
gnomAD v4.1: 2 of 1,611,322 alleles (0.00012%); highest among the groups gnomAD compares: African/African-American, 0.0027%; no homozygotes.

Submissions (2):

Labcorp Genetics (formerly Invitae), Labcorp
Classification: Likely benign for Aortic aneurysm, familial thoracic 4. Last evaluated: 2024-06-24. Review status: criteria provided, single submitter. Criteria: Invitae Variant Classification Sherloc (09022015). Collection method: clinical testing. Allele origin: germline.

All of Us Research Program, National Institutes of Health
Classification: Uncertain significance for Familial thoracic aortic aneurysm and aortic dissection. Last evaluated: 2023-05-16. Review status: criteria provided, single submitter. Criteria: ACMG Guidelines, 2015. Collection method: clinical testing. Allele origin: germline. Inheritance: Autosomal dominant inheritance. Observed: 1 variant allele, 1 heterozygote.
Comment: This variant causes a C to A nucleotide substitution at the -6 position of intron 10 of the MYH11 gene. To our knowledge, functional studies have not been reported for this variant. This variant has not been reported in individuals affected with MYH11-related disorders in the literature. This variant has not been identified in the general population by the Genome Aggregation Database (gnomAD). The available evidence is insufficient to determine the role of this variant in disease conclusively. Therefore, this variant is classified as a Variant of Uncertain Significance.

This study involves interpretation of variants in research participants for the purpose of population health screening. Participant phenotype was not available at the time of variant classification. Additional details can be found in publication PMID: 35346344, PMCID: PMC8962531